The following is an entry in ClinVar:

NM_000368.5(TSC1):c.2640G>T (p.Met880Ile)

Gene: TSC1 (TSC complex subunit 1; minus strand). Cytogenetic location: 9q34.13.
Variant type: single nucleotide variant.
Coding change: c.2640G>T on transcript NM_000368.5 (MANE Select); coding-DNA position 2640, G replaced by T.
Protein change: p.Met880Ile; replaces methionine 880 with isoleucine.
Molecular consequence: missense variant.
Genome position (GRCh38, 1-based): chr9:132,897,596, C>A on the plus strand (G>T on the coding strand, the complement: TSC1 is on the minus strand). VCF-style: chr9-132897596-C-A. GRCh37 (hg19) VCF-style: chr9-135772983-C-A.
Other names: c.2637G>T, p.Met879Ile (NM_001162426.2); c.2487G>T, p.Met829Ile (NM_001162427.2); c.2277G>T, p.Met759Ile (NM_001362177.2); short protein forms M880I, M759I, M829I, M879I.
Identifiers: ClinVar variation 534449 (VCV000534449.15), dbSNP rs1218889799, ClinGen allele CA375369669.

ClinVar aggregate classification (germline): Uncertain significance. Review status: criteria provided, multiple submitters, no conflicts (2 of 4 stars). 5 submissions from 5 submitters: Uncertain significance (5). Last evaluated 2025-04-24.

Conditions:
Hereditary cancer-predisposing syndrome. Also called: Neoplastic Syndromes, Hereditary; Hereditary neoplastic syndrome; Tumor predisposition; Hereditary Cancer Syndrome. Identifiers: Orphanet 140162, MedGen C0027672, MeSH D009386, MONDO:0015356.
Isolated focal cortical dysplasia type II (FCORD2). Also called: CORTICAL DYSPLASIA OF TAYLOR; Focal cortical dysplasia type II. Identifiers: Orphanet 268994, MedGen C1846385, MONDO:0011818, OMIM 607341, HP:0032051.
Tuberous sclerosis 1 (TSC1). Identifiers: Orphanet 805, MedGen C1854465, MONDO:0008612, OMIM 191100.
Lymphangiomyomatosis (LAM). Also called: Lymphangioleiomyomatosis; Lymphangioleiomyomatosis, somatic. Identifiers: Orphanet 538, MedGen C0751674, MONDO:0011705, OMIM 606690.

Submissions (5):

Labcorp Genetics (formerly Invitae), Labcorp
Classification: Uncertain significance for Tuberous sclerosis 1. Last evaluated: 2025-04-24. Review status: criteria provided, single submitter. Criteria: Invitae Variant Classification Sherloc (09022015). Collection method: clinical testing. Allele origin: germline.
Comment: This sequence change replaces methionine, which is neutral and non-polar, with isoleucine, which is neutral and non-polar, at codon 880 of the TSC1 protein (p.Met880Ile). This variant is not present in population databases (gnomAD no frequency). This variant has not been reported in the literature in individuals affected with TSC1-related conditions. ClinVar contains an entry for this variant (Variation ID: 534449). Invitae Evidence Modeling of protein sequence and biophysical properties (such as structural, functional, and spatial information, amino acid conservation, physicochemical variation, residue mobility, and thermodynamic stability) indicates that this missense variant is not expected to disrupt TSC1 protein function with a negative predictive value of 95%. In summary, the available evidence is currently insufficient to determine the role of this variant in disease. Therefore, it has been classified as a Variant of Uncertain Significance.

Department of Pathology and Laboratory Medicine, Sinai Health System
Classification: Uncertain significance for Tuberous sclerosis 1; Lymphangiomyomatosis; Isolated focal cortical dysplasia type II. Last evaluated: 2025-01-14. Review status: criteria provided, single submitter. Criteria: ACMG Guidelines, 2015. Collection method: clinical testing. Allele origin: germline.

Ambry Genetics
Classification: Uncertain significance for Hereditary cancer-predisposing syndrome. Last evaluated: 2024-01-18. Review status: criteria provided, single submitter. Criteria: Ambry Variant Classification Scheme 2023. Collection method: clinical testing. Allele origin: germline.
Comment: The p.M880I variant (also known as c.2640G>T), located in coding exon 19 of the TSC1 gene, results from a G to T substitution at nucleotide position 2640. The methionine at codon 880 is replaced by isoleucine, an amino acid with highly similar properties. This amino acid position is not well conserved in available vertebrate species. In addition, this alteration is predicted to be tolerated by in silico analysis. Since supporting evidence is limited at this time, the clinical significance of this alteration remains unclear.

Genome-Nilou Lab
Classification: Uncertain significance for Tuberous sclerosis 1. Last evaluated: 2021-11-07. Review status: criteria provided, single submitter. Criteria: ACMG Guidelines, 2015. Collection method: clinical testing. Allele origin: germline. Affected: no.

Baylor Genetics
Classification: Uncertain significance for Tuberous sclerosis 1. Last evaluated: 2019-12-30. Review status: criteria provided, single submitter. Criteria: ACMG Guidelines, 2015. Collection method: clinical testing. Allele origin: unknown. Affected: yes.
Comment: This variant was determined to be of uncertain significance according to ACMG Guidelines, 2015 [PMID:25741868].